The following is an entry in ClinVar:

ClinVar aggregate classification (germline): Benign (1 of 4 stars; one submission).

Conditions:
Breast-ovarian cancer, familial, susceptibility to, 4. Identifiers: Orphanet 145, MedGen C3280345, MONDO:0013669, OMIM 614291.

gnomAD v4.1: 1 of 1,613,026 alleles (0.000062%); highest among the groups gnomAD compares: Non-Finnish European, 0.000085%; no homozygotes.

Submission:

Myriad Genetics, Inc.
Classification: Benign for Breast-ovarian cancer, familial, susceptibility to, 4. Last evaluated: 2025-02-24. Review status: criteria provided, single submitter. Criteria: Myriad Autosomal Dominant, Autosomal Recessive and X-Linked Classification Criteria (2023). Collection method: clinical testing. Allele origin: unknown.
Comment: This variant is considered benign. This variant is a silent/synonymous amino acid change and it is not expected to impact splicing.

NM_002878.4(RAD51D):c.567G>T (p.Val189=)

Genes: RAD51L3-RFFL (RAD51L3-RFFL readthrough; minus strand), RAD51D (RAD51 paralog D; minus strand). Cytogenetic location: 17q12.
Variant type: single nucleotide variant.
Coding change: c.567G>T on transcript NM_002878.4 (MANE Select); coding-DNA position 567, G replaced by T.
Protein change: p.Val189=; no amino-acid change (valine 189 retained).
Molecular consequence: synonymous variant. On other transcripts: non-coding transcript variant (3).
Genome position (GRCh38, 1-based): chr17:35,106,395, C>A on the plus strand (G>T on the coding strand, the complement: RAD51D is on the minus strand). VCF-style: chr17-35106395-C-A. GRCh37 (hg19) VCF-style: chr17-33433414-C-A.
Other names: c.627G>T, p.Val209= (NM_001142571.2); c.231G>T, p.Val77= (NM_133629.3).
Identifiers: ClinVar variation 3904458 (VCV003904458.1).